The following is an entry in ClinVar:

ClinVar aggregate classification (germline): Pathogenic (1 of 4 stars; one submission).

Submission:

Labcorp Genetics (formerly Invitae), Labcorp
Classification: Pathogenic. Last evaluated: 2022-05-12. Review status: criteria provided, single submitter. Criteria: Invitae Variant Classification Sherloc (09022015). Collection method: clinical testing. Allele origin: germline.
Comment: For these reasons, this variant has been classified as Pathogenic. This variant has not been reported in the literature in individuals affected with POLE-related conditions. This variant is a gross deletion of the genomic region encompassing exon(s) 1-23 of the POLE gene, which includes the initiator codon. This deletion extends beyond the assayed region for this gene and therefore may encompass additional genes. It is expected to result in an absent or disrupted protein product. Loss-of-function variants in POLE are known to be pathogenic (PMID: 23230001, 25948378, 30503519).

Literature cited by the submitters: PubMed 23230001; PubMed 25948378; PubMed 30503519.

NC_000012.12:g.(?_132663994)_(132687325_?)del

Gene: POLE (DNA polymerase epsilon, catalytic subunit; minus strand). Cytogenetic location: 12q24.33.
Variant type: Deletion.
Identifiers: ClinVar variation 832180 (VCV000832180.8).